The following is an entry in ClinVar:

ClinVar aggregate classification (germline): Uncertain significance (1 of 4 stars; one submission).

Conditions:
Pitt-Hopkins-like syndrome 2 (PTHSL2). Identifiers: Orphanet 221150, Orphanet 600663, MedGen C3280479, MONDO:0013690, OMIM 614325.

gnomAD v4.1: 1 of 1,455,362 alleles (0.000069%); highest among the groups gnomAD compares: Non-Finnish European, 0.00009%; no homozygotes.

Submission:

Labcorp Genetics (formerly Invitae), Labcorp
Classification: Uncertain significance for Pitt-Hopkins-like syndrome 2. Last evaluated: 2023-09-10. Review status: criteria provided, single submitter. Criteria: Invitae Variant Classification Sherloc (09022015). Collection method: clinical testing. Allele origin: germline.
Comment: The frequency data for this variant in the population databases is considered unreliable, as metrics indicate poor data quality at this position in the gnomAD database. This variant has not been reported in the literature in individuals affected with NRXN1-related conditions. An algorithm developed to predict the effect of missense changes on protein structure and function (PolyPhen-2) suggests that this variant is likely to be disruptive. In summary, the available evidence is currently insufficient to determine the role of this variant in disease. Therefore, it has been classified as a Variant of Uncertain Significance. This sequence change replaces leucine, which is neutral and non-polar, with proline, which is neutral and non-polar, at codon 6 of the NRXN1 protein (p.Leu6Pro).

NM_001330078.2(NRXN1):c.17T>C (p.Leu6Pro)

Gene: NRXN1 (neurexin 1; minus strand). Cytogenetic location: 2p16.3.
Variant type: single nucleotide variant.
Coding change: c.17T>C on transcript NM_001330078.2 (MANE Select); coding-DNA position 17, T replaced by C.
Protein change: p.Leu6Pro; replaces leucine 6 with proline.
Molecular consequence: missense variant.
Genome position (GRCh38, 1-based): chr2:51,028,257, A>G on the plus strand (T>C on the coding strand, the complement: NRXN1 is on the minus strand). VCF-style: chr2-51028257-A-G. GRCh37 (hg19) VCF-style: chr2-51255395-A-G.
Other names: c.17T>C, p.Leu6Pro (NM_001135659.3, NM_001330077.2, NM_001330079.2 and 15 more transcripts); short protein forms L6P.
Identifiers: ClinVar variation 2743090 (VCV002743090.3), dbSNP rs1220439982, ClinGen allele CA346824876.
Genomic context (GRCh38, chr2:51,028,257, plus strand): 5'-TCCGCCCAGCAGCCCAGGAGCAGCAGCGAGAGGCACAGAAGAAAACAGCCCCCGCGCTGG[A>G]GCAGCGCCGTCCCCATGCTCGGGGCTGGGGTGCGGCGGGGGGGTGCCGGGGCCGACAGGG-3'
Protein context (NP_001317007.1, residues 1-16): MGTAL[Leu6Pro]QRGGCFLLCL